The following is an entry in ClinVar:

ClinVar aggregate classification (germline): Uncertain significance (1 of 4 stars; one submission).

gnomAD v4.1: 1 of 1,612,628 alleles (0.000062%); no homozygotes.

Submission:

Ambry Genetics
Classification: Uncertain significance. Last evaluated: 2025-05-18. Review status: criteria provided, single submitter. Criteria: Ambry Variant Classification Scheme 2023. Collection method: clinical testing. Allele origin: germline.
Comment: The p.T875S variant (also known as c.2624C>G), located in coding exon 11 of the WNK2 gene, results from a C to G substitution at nucleotide position 2624. The threonine at codon 875 is replaced by serine, an amino acid with similar properties. This amino acid position is conserved. In addition, this alteration is predicted to be tolerated by in silico analysis. Based on the available evidence, the clinical significance of this variant remains unclear.

NM_006648.4(WNK2):c.2624C>G (p.Thr875Ser)

Gene: WNK2 (WNK lysine deficient protein kinase 2; plus strand). Cytogenetic location: 9q22.31.
Variant type: single nucleotide variant.
Coding change: c.2624C>G on transcript NM_006648.4 (MANE Select); coding-DNA position 2624, C replaced by G.
Protein change: p.Thr875Ser; replaces threonine 875 with serine.
Molecular consequence: missense variant.
Genome position (GRCh38, 1-based): chr9:93,259,172, C>G. VCF-style: chr9-93259172-C-G. GRCh37 (hg19) VCF-style: chr9-96021454-C-G.
Other names: c.2624C>G, p.Thr875Ser (NM_001282394.3); short protein forms T875S.
Identifiers: ClinVar variation 3982072 (VCV003982072.1).
Genomic context (GRCh38, chr9:93,259,172, plus strand): 5'-CTCTGCAGGCTGTGAAGCTGCCCCACCCCCCTGGGGCGCCCCTGGCCATGCCCTGCCGGA[C>G]CATTGTGCCAAATGCACCGGCCACTATCCCCCTGCTGGCCGTAGCCCCACCGGGCGTGGC-3'
Protein context (NP_006639.3, residues 865-885): PGAPLAMPCR[Thr875Ser]IVPNAPATIP